The following is an entry in ClinVar:

ClinVar aggregate classification (germline): Uncertain significance (1 of 4 stars; one submission).

Submission:

GeneDx
Classification: Uncertain significance. Last evaluated: 2019-12-19. Review status: criteria provided, single submitter. Criteria: GeneDx Variant Classification Process June 2021. Collection method: clinical testing. Allele origin: germline. Affected: yes.
Comment: Not observed in large population cohorts (Lek et al., 2016); Frameshift variant predicted to result in protein truncation or nonsense mediated decay in a gene for which loss-of-function is not a known mechanism of disease; Has not been previously published as pathogenic or benign to our knowledge

NM_001148.6(ANK2):c.393del (p.Phe131fs)

Gene: ANK2 (ankyrin 2; plus strand). Cytogenetic location: 4q26.
Variant type: Deletion.
Coding change: c.393del on transcript NM_001148.6 (MANE Select); coding-DNA position 393, one base deleted (T; older notation c.393delT).
Protein change: p.Phe131fs; shifts the reading frame from phenylalanine 131.
Molecular consequence: frameshift variant.
Genome position (GRCh38, 1-based): chr4:113,232,169, T deleted; the last of 3 consecutive T bases (chr4:113,232,167-113,232,169); deleting any one gives the same sequence. VCF-style (leftmost placement, unchanged base first): chr4-113232166-CT-C. GRCh37 (hg19) VCF-style: chr4-114153322-CT-C.
Other names: c.330del, p.Phe110fs (NM_001127493.3, NM_001354239.2, NM_001354243.2 and 33 more transcripts); c.393del, p.Phe131fs (NM_001354225.2, NM_001354228.2, NM_001354232.2 and 9 more transcripts); c.438del, p.Phe146fs (NM_001354230.2, NM_001354231.2, NM_001354237.2 and 5 more transcripts); c.375del, p.Phe125fs (NM_001354261.2, NM_001386147.1, NM_001386160.1); c.381del, p.Phe127fs (NM_001354269.3, NM_001386148.2, NM_001386186.2 and 1 more transcripts); c.444del, p.Phe148fs (NM_001386174.1, NM_001386175.1); short protein forms F110fs, F125fs, F127fs, F131fs, F146fs, F148fs.
Identifiers: ClinVar variation 1315975 (VCV001315975.2), dbSNP rs2153534587, ClinGen allele CA2573052286.